The following is an entry in ClinVar:

ClinVar aggregate classification (germline): Likely benign. Review status: criteria provided, multiple submitters, no conflicts (2 of 4 stars). 4 submissions from 4 submitters: Likely benign (3). 1 of the submissions does not count toward it. Last evaluated 2025-03-04.

Conditions:
TINF2-related disorder. Also called: TINF2-related condition.
Dyskeratosis congenita. Identifiers: Orphanet 1775, MedGen C0265965, MONDO:0015780.

Allele frequency attached by ClinVar (database versions not stated): TOPMed 0.00002.
gnomAD v4.1: 1 of 1,614,158 alleles (0.000062%); no homozygotes.

Submissions (4):

Center for Genomic Medicine, Rigshospitalet, Copenhagen University Hospital
Classification: Likely benign. Last evaluated: 2025-03-04. Review status: criteria provided, single submitter. Criteria: ACMG Guidelines, 2015. Collection method: clinical testing. Allele origin: germline.

Blueprint Genetics
Classification: Likely benign. Last evaluated: 2024-09-06. Review status: criteria provided, single submitter. Criteria: ACMG Guidelines, 2015. Collection method: clinical testing. Allele origin: germline.

Labcorp Genetics (formerly Invitae), Labcorp
Classification: Likely benign for Dyskeratosis congenita. Last evaluated: 2024-04-10. Review status: criteria provided, single submitter. Criteria: Invitae Variant Classification Sherloc (09022015). Collection method: clinical testing. Allele origin: germline.

PreventionGenetics, part of Exact Sciences
Classification: Likely benign for TINF2-related condition. Last evaluated: 2019-09-23. Review status: no assertion criteria provided. Collection method: clinical testing. Allele origin: germline. Not counted in ClinVar's aggregate classification.
Comment: This variant is classified as likely benign based on ACMG/AMP sequence variant interpretation guidelines (Richards et al. 2015 PMID: 25741868, with internal and published modifications).

NM_001099274.3(TINF2):c.1061+14A>G

Gene: TINF2 (TERF1 interacting nuclear factor 2; minus strand). Cytogenetic location: 14q12.
Variant type: single nucleotide variant.
Coding change: c.1061+14A>G on transcript NM_001099274.3 (MANE Select); 14 bases into the intron after coding-DNA position 1061, A replaced by G.
Molecular consequence: intron variant. On other transcripts: 3 prime UTR variant (1).
Genome position (GRCh38, 1-based): chr14:24,240,405, T>C on the plus strand (A>G on the coding strand, the complement: TINF2 is on the minus strand). VCF-style: chr14-24240405-T-C. GRCh37 (hg19) VCF-style: chr14-24709611-T-C.
Other names: c.*10A>G (NM_012461.3, NM_012461.2); c.956+14A>G (NM_001363668.2).
Identifiers: ClinVar variation 1562896 (VCV001562896.12), dbSNP rs1040503982, ClinGen allele CA257880865.